The following is an entry in ClinVar:

ClinVar aggregate classification (germline): Uncertain significance. Review status: criteria provided, multiple submitters, no conflicts (2 of 4 stars). 3 submissions from 3 submitters: Uncertain significance (3). Last evaluated 2026-01-25.

Conditions:
DICER1-related tumor predisposition. Also called: DICER1 syndrome; DICER1-related pleuropulmonary blastoma cancer predisposition syndrome. Identifiers: Orphanet 284343, MedGen C3839822, MONDO:0100216.
Hereditary cancer-predisposing syndrome. Also called: Hereditary neoplastic syndrome; Neoplastic Syndromes, Hereditary; Hereditary Cancer Syndrome; Tumor predisposition. Identifiers: Orphanet 140162, MedGen C0027672, MeSH D009386, MONDO:0015356.

Allele frequency attached by ClinVar (database versions not stated): TOPMed below 0.00001; gnomAD 0.00001; gnomAD exomes 0.00001.
gnomAD v4.1: 4 of 1,613,656 alleles (0.00025%); highest among the groups gnomAD compares: Non-Finnish European, 0.00034%; no homozygotes.

Submissions (3):

Labcorp Genetics (formerly Invitae), Labcorp
Classification: Uncertain significance for DICER1-related tumor predisposition. Last evaluated: 2026-01-25. Review status: criteria provided, single submitter. Criteria: Invitae Variant Classification Sherloc (09022015). Collection method: clinical testing. Allele origin: germline.
Comment: This sequence change replaces lysine, which is basic and polar, with arginine, which is basic and polar, at codon 1099 of the DICER1 protein (p.Lys1099Arg). This variant is present in population databases (no rsID available, gnomAD 0.0009%). This variant has not been reported in the literature in individuals affected with DICER1-related conditions. ClinVar contains an entry for this variant (Variation ID: 569710). Invitae Evidence Modeling of protein sequence and biophysical properties (such as structural, functional, and spatial information, amino acid conservation, physicochemical variation, residue mobility, and thermodynamic stability) indicates that this missense variant is not expected to disrupt DICER1 protein function with a negative predictive value of 95%. In summary, the available evidence is currently insufficient to determine the role of this variant in disease. Therefore, it has been classified as a Variant of Uncertain Significance.

Ambry Genetics
Classification: Uncertain significance for Hereditary cancer-predisposing syndrome. Last evaluated: 2025-04-10. Review status: criteria provided, single submitter. Criteria: Ambry Variant Classification Scheme 2023. Collection method: clinical testing. Allele origin: germline.
Comment: The p.K1099R variant (also known as c.3296A>G), located in coding exon 20 of the DICER1 gene, results from an A to G substitution at nucleotide position 3296. The lysine at codon 1099 is replaced by arginine, an amino acid with highly similar properties. This amino acid position is highly conserved in available vertebrate species. In addition, this alteration is predicted to be tolerated by in silico analysis. Since supporting evidence is limited at this time, the clinical significance of this alteration remains unclear.

GeneDx
Classification: Uncertain significance. Last evaluated: 2024-05-06. Review status: criteria provided, single submitter. Criteria: GeneDx Variant Classification Process June 2021. Collection method: clinical testing. Allele origin: germline. Affected: yes.
Comment: Not observed at significant frequency in large population cohorts (gnomAD); In silico analysis indicates that this missense variant does not alter protein structure/function; Has not been previously published as pathogenic or benign to our knowledge

NM_177438.3(DICER1):c.3296A>G (p.Lys1099Arg)

Gene: DICER1 (dicer 1, ribonuclease III; minus strand). Cytogenetic location: 14q32.13.
Variant type: single nucleotide variant.
Coding change: c.3296A>G on transcript NM_177438.3 (MANE Select); coding-DNA position 3296, A replaced by G.
Protein change: p.Lys1099Arg; replaces lysine 1099 with arginine.
Molecular consequence: missense variant.
Genome position (GRCh38, 1-based): chr14:95,104,100, T>C on the plus strand (A>G on the coding strand, the complement: DICER1 is on the minus strand). VCF-style: chr14-95104100-T-C. GRCh37 (hg19) VCF-style: chr14-95570437-T-C.
Other names: c.3296A>G, p.Lys1099Arg (NM_001195573.1, NM_001271282.3, NM_001291628.2 and 1 more transcripts); short protein forms K1099R.
Identifiers: ClinVar variation 569710 (VCV000569710.16), dbSNP rs1356351330, ClinGen allele CA390876024.
Genomic context (GRCh38, chr14:95,104,100, plus strand): 5'-TCATTTTCAGCTGAAGAGGAGTTAGAAATTGAGATGAAAGATTTGCTGTCAATAGATTTT[T>C]TCCACCCGAAGTCTAAGTTAGGGTATCTGCAAAGACATTTTTATAACTTTACATCAGATT-3'
Protein context (NP_803187.1, residues 1089-1109): FRYPNLDFGW[Lys1099Arg]KSIDSKSFIS